The following is an entry in ClinVar:

NM_000108.5(DLD):c.987dup (p.Glu330Ter)

Gene: DLD (dihydrolipoamide dehydrogenase; plus strand). Cytogenetic location: 7q31.1.
Variant type: Duplication.
Coding change: c.987dup on transcript NM_000108.5 (MANE Select); coding-DNA position 987, one base duplicated (T; older notation c.987dupT).
Protein change: p.Glu330Ter; replaces glutamic acid 330 with a stop codon.
Molecular consequence: nonsense.
Genome position (GRCh38, 1-based): chr7:107,916,905, T duplicated; the last of 2 consecutive T bases (chr7:107,916,904-107,916,905); duplicating either gives the same sequence. VCF-style (leftmost placement, unchanged base first): chr7-107916903-A-AT. GRCh37 (hg19) VCF-style: chr7-107557348-A-AT.
Other names: c.690dup, p.Glu231Ter (NM_001289750.1); c.918dup, p.Glu307Ter (NM_001289751.1); c.843dup, p.Glu282Ter (NM_001289752.1); short protein forms E282*, E307*, E330*, E231*.
Identifiers: ClinVar variation 2028124 (VCV002028124.4), dbSNP rs2535601324, ClinGen allele CA2580076203.

ClinVar aggregate classification (germline): Pathogenic (1 of 4 stars; one submission).

Conditions:
Pyruvate dehydrogenase E3 deficiency (DLDD). Also called: Dihydrolipoamide Dehydrogenase (E3) Deficiency; Dihydrolipoamide Dehydrogenase E3 Deficiency; Dihydrolipoamide Dehydrogenase Deficiency; Lipoamide dehydrogenase deficiency, lactic acidosis due to; Lipoamide dehydrogenase deficiency; DLD DEFICIENCY. Identifiers: Orphanet 2394, Orphanet 765, MedGen C5574660, MONDO:0009529, OMIM 246900.

Submission:

Labcorp Genetics (formerly Invitae), Labcorp
Classification: Pathogenic for Pyruvate dehydrogenase E3 deficiency. Last evaluated: 2022-08-31. Review status: criteria provided, single submitter. Criteria: Invitae Variant Classification Sherloc (09022015). Collection method: clinical testing. Allele origin: germline.
Comment: This sequence change creates a premature translational stop signal (p.Glu330*) in the DLD gene. It is expected to result in an absent or disrupted protein product. Loss-of-function variants in DLD are known to be pathogenic (PMID: 8968745, 9934985). For these reasons, this variant has been classified as Pathogenic. This variant has not been reported in the literature in individuals affected with DLD-related conditions. This variant is not present in population databases (gnomAD no frequency).

Literature cited by the submitters: PubMed 8968745; PubMed 9934985.